The following is an entry in ClinVar:

NM_000404.4(GLB1):c.1736G>A (p.Gly579Asp)

Gene: GLB1 (galactosidase beta 1; minus strand). Cytogenetic location: 3p22.3.
Variant type: single nucleotide variant.
Coding change: c.1736G>A on transcript NM_000404.4 (MANE Select); coding-DNA position 1736, G replaced by A.
Protein change: p.Gly579Asp; replaces glycine 579 with aspartic acid.
Molecular consequence: missense variant. On other transcripts: intron variant (1).
Genome position (GRCh38, 1-based): chr3:32,997,343, C>T on the plus strand (G>A on the coding strand, the complement: GLB1 is on the minus strand). VCF-style: chr3-32997343-C-T. GRCh37 (hg19) VCF-style: chr3-33038835-C-T.
Other names: c.1646G>A, p.Gly549Asp (NM_001079811.3); c.1343G>A, p.Gly448Asp (NM_001135602.3); c.1880G>A, p.Gly627Asp (NM_001317040.2); c.1734+16713G>A (NM_001393580.1); short protein forms G448D, G549D, G579D, G627D.
Identifiers: ClinVar variation 3896250 (VCV003896250.2).

ClinVar aggregate classification (germline): Pathogenic (1 of 4 stars; one submission).

Conditions:
GM1 gangliosidosis. Identifiers: Orphanet 354, MedGen C0085131, MONDO:0018149.

gnomAD v4.1: 4 of 1,612,658 alleles (0.00025%); highest among the groups gnomAD compares: Non-Finnish European, 0.00034%; no homozygotes.

Submission:

Women's Health and Genetics/Laboratory Corporation of America, LabCorp
Classification: Pathogenic for GM1 gangliosidosis. Last evaluated: 2025-04-30. Review status: criteria provided, single submitter. Criteria: LabCorp Variant Classification Summary - May 2015. Collection method: clinical testing. Allele origin: germline.
Comment: Variant summary: GLB1 c.1736G>A (p.Gly579Asp) results in a non-conservative amino acid change in the encoded protein sequence. Five of five in-silico tools predict a damaging effect of the variant on protein function. Consensus agreement among computation tools predict no significant impact on normal splicing. The variant allele was found at a frequency of 1.2e-05 in 247276 control chromosomes. c.1736G>A has been observed in multiple compound heterozygous and homozygous individuals affected with GM1 Gangliosidosis (e.g., Caciotti_2011, Caciotti_2005, Gowda_2020, Morrone_2000). The following publications have been ascertained in the context of this evaluation (PMID: 21497194, 15714521, 35186388, 10737981). No submitters have cited clinical-significance assessments for this variant to ClinVar. Based on the evidence outlined above, the variant was classified as pathogenic.

Literature cited by the submitters: PubMed 21497194; PubMed 15714521; PubMed 10737981; PubMed 35186388.